The following is an entry in ClinVar:

ClinVar aggregate classification (germline): Uncertain significance. Review status: criteria provided, multiple submitters, no conflicts (2 of 4 stars). 2 submissions from 2 submitters: Uncertain significance (2). Last evaluated 2024-01-21.

Conditions:
Hereditary cancer-predisposing syndrome. Also called: Hereditary Cancer Syndrome; Hereditary neoplastic syndrome; Tumor predisposition; Neoplastic Syndromes, Hereditary. Identifiers: Orphanet 140162, MedGen C0027672, MeSH D009386, MONDO:0015356.
Cardiovascular phenotype. Identifiers: MedGen CN230736.

gnomAD v4.1: 1 of 1,613,556 alleles (0.000062%); highest among the groups gnomAD compares: Non-Finnish European, 0.000085%; no homozygotes.

Submissions (2):

Labcorp Genetics (formerly Invitae), Labcorp
Classification: Uncertain significance. Last evaluated: 2024-01-21. Review status: criteria provided, single submitter. Criteria: Invitae Variant Classification Sherloc (09022015). Collection method: clinical testing. Allele origin: germline.
Comment: This sequence change replaces glutamine, which is neutral and polar, with histidine, which is basic and polar, at codon 757 of the LZTR1 protein (p.Gln757His). This variant is not present in population databases (gnomAD no frequency). This variant has not been reported in the literature in individuals affected with LZTR1-related conditions. ClinVar contains an entry for this variant (Variation ID: 1788796). Advanced modeling of protein sequence and biophysical properties (such as structural, functional, and spatial information, amino acid conservation, physicochemical variation, residue mobility, and thermodynamic stability) performed at Invitae indicates that this missense variant is not expected to disrupt LZTR1 protein function with a negative predictive value of 80%. In summary, the available evidence is currently insufficient to determine the role of this variant in disease. Therefore, it has been classified as a Variant of Uncertain Significance.

Ambry Genetics
Classification: Uncertain significance for Cardiovascular phenotype; Hereditary cancer-predisposing syndrome. Last evaluated: 2022-06-17. Review status: criteria provided, single submitter. Criteria: Ambry Variant Classification Scheme 2023. Collection method: clinical testing. Allele origin: germline.
Comment: The p.Q757H variant (also known as c.2271G>T), located in coding exon 19 of the LZTR1 gene, results from a G to T substitution at nucleotide position 2271. The glutamine at codon 757 is replaced by histidine, an amino acid with highly similar properties. This amino acid position is conserved. In addition, the in silico prediction for this alteration is inconclusive. Since supporting evidence is limited at this time, the clinical significance of this alteration remains unclear.

NM_006767.4(LZTR1):c.2271G>T (p.Gln757His)

Gene: LZTR1 (leucine zipper like post translational regulator 1; plus strand). Cytogenetic location: 22q11.21.
Variant type: single nucleotide variant.
Coding change: c.2271G>T on transcript NM_006767.4 (MANE Select); coding-DNA position 2271, G replaced by T.
Protein change: p.Gln757His; replaces glutamine 757 with histidine.
Molecular consequence: missense variant.
Genome position (GRCh38, 1-based): chr22:20,996,747, G>T. VCF-style: chr22-20996747-G-T. GRCh37 (hg19) VCF-style: chr22-21351036-G-T.
Other names: short protein forms Q757H.
Identifiers: ClinVar variation 1788796 (VCV001788796.5), dbSNP rs761430270, ClinGen allele CA410780830.